The following is an entry in ClinVar:

NM_002838.5(PTPRC):c.871C>T (p.Pro291Ser)

Gene: PTPRC (protein tyrosine phosphatase receptor type C; plus strand). Cytogenetic location: 1q32.1.
Variant type: single nucleotide variant.
Coding change: c.871C>T on transcript NM_002838.5 (MANE Select); coding-DNA position 871, C replaced by T.
Protein change: p.Pro291Ser; replaces proline 291 with serine.
Molecular consequence: missense variant.
Genome position (GRCh38, 1-based): chr1:198,706,919, C>T. VCF-style: chr1-198706919-C-T. GRCh37 (hg19) VCF-style: chr1-198676048-C-T.
Other names: c.388C>T, p.Pro130Ser (NM_080921.4); short protein forms P291S, P130S.
Identifiers: ClinVar variation 2152874 (VCV002152874.1), dbSNP rs762697900, ClinGen allele CA1314624.
Genomic context (GRCh38, chr1:198,706,919, plus strand): 5'-CATAACCTTACAGAATGTAAAAATGCGTCTGTTTCCATATCTCATAATTCATGTACTGCT[C>T]CTGATAAGACATTAATATTAGATGTGCCACCAGGTAAATATCAATTTATTTCTTTTAATA-3'
Protein context (NP_002829.3, residues 281-301): VSISHNSCTA[Pro291Ser]DKTLILDVPP

ClinVar aggregate classification (germline): Uncertain significance (1 of 4 stars; one submission).

Conditions:
Immunodeficiency 104. Also called: Severe combined immunodeficiency, autosomal recessive, T cell-negative, B cell-positive, NK cell-positive; IMMUNODEFICIENCY 104, SEVERE COMBINED; SCID, AUTOSOMAL RECESSIVE, T CELL-NEGATIVE, B CELL-POSITIVE, NK CELL-POSITIVE; Severe Combined Immune Deficiency, Autosomal Recessive, TCell -Negative, B Cell-Positive, NK Cell-Positive, IL7R-Related. Identifiers: MedGen C5676890, MONDO:0012163, OMIM 608971.

Allele frequency attached by ClinVar (database versions not stated): ExAC 0.00002; gnomAD 0.00002; TOPMed 0.00002.

Submission:

Labcorp Genetics (formerly Invitae), Labcorp
Classification: Uncertain significance for Immunodeficiency 104. Last evaluated: 2022-03-12. Review status: criteria provided, single submitter. Criteria: Invitae Variant Classification Sherloc (09022015). Collection method: clinical testing. Allele origin: germline.
Comment: This sequence change replaces proline, which is neutral and non-polar, with serine, which is neutral and polar, at codon 291 of the PTPRC protein (p.Pro291Ser). This variant is present in population databases (rs762697900, gnomAD 0.005%). This variant has not been reported in the literature in individuals affected with PTPRC-related conditions. Algorithms developed to predict the effect of missense changes on protein structure and function output the following: SIFT: "Deleterious"; PolyPhen-2: "Benign"; Align-GVGD: "Class C0". The serine amino acid residue is found in multiple mammalian species, which suggests that this missense change does not adversely affect protein function. In summary, the available evidence is currently insufficient to determine the role of this variant in disease. Therefore, it has been classified as a Variant of Uncertain Significance.